The following is an entry in ClinVar:

NM_002016.2(FLG):c.7141C>T (p.Gln2381Ter)

Genes: CCDST (cervical cancer associated DHX9 suppressive transcript; plus strand), FLG (filaggrin; minus strand). Cytogenetic location: 1q21.3.
Variant type: single nucleotide variant.
Coding change: c.7141C>T on transcript NM_002016.2 (MANE Select); coding-DNA position 7141, C replaced by T.
Protein change: p.Gln2381Ter; replaces glutamine 2381 with a stop codon.
Molecular consequence: nonsense.
Genome position (GRCh38, 1-based): chr1:152,307,745, G>A on the plus strand (C>T on the coding strand, the complement: FLG is on the minus strand). VCF-style: chr1-152307745-G-A. GRCh37 (hg19) VCF-style: chr1-152280221-G-A.
Other names: short protein forms Q2381*.
Identifiers: ClinVar variation 3897261 (VCV003897261.1).
Genomic context (GRCh38, chr1:152,307,745, plus strand): 5'-GTGTGGACTCTTGGTGGCTCTGCTGATGGGGCCCAGCCTGTCCGTGGGCTGACACTGACT[G>A]TGTGTCTGAGTCTTCTGAATGTCCCTCACTGTCACTGGCCTGACTACCACTGGACCCTCG-3'

ClinVar aggregate classification (germline): Pathogenic (1 of 4 stars; one submission).

gnomAD v4.1: 1 of 1,613,386 alleles (0.000062%); highest among the groups gnomAD compares: Non-Finnish European, 0.000085%; no homozygotes.

Submission:

GeneDx
Classification: Pathogenic. Last evaluated: 2024-10-24. Review status: criteria provided, single submitter. Criteria: GeneDx Variant Classification Process June 2021. Collection method: clinical testing. Allele origin: germline. Affected: yes.
Comment: Nonsense variant predicted to result in protein truncation, as the last 1681 amino acid(s) are lost, and other loss-of-function variants have been reported downstream in HGMD; Not observed at significant frequency in large population cohorts (gnomAD); Has not been previously published as pathogenic or benign to our knowledge; This variant is associated with the following publications: (PMID: 16444271)